The following is an entry in ClinVar:

ClinVar aggregate classification (germline): Uncertain significance. Review status: criteria provided, single submitter (1 of 4 stars). 2 submissions from 2 submitters: Uncertain significance (1). 1 of the submissions does not count toward it. Last evaluated 2022-07-19.

Conditions:
Propionic acidemia (PROP). Also called: GLYCINEMIA, KETOTIC; HYPERGLYCINEMIA WITH KETOACIDOSIS AND LEUKOPENIA; KETOTIC HYPERGLYCINEMIA. Identifiers: Orphanet 35, MedGen C0268579, MONDO:0011628, OMIM 606054, HP:0003571.

Allele frequency attached by ClinVar (database versions not stated): TOPMed 0.00001.
gnomAD v4.1: 4 of 1,614,064 alleles (0.00025%); highest among the groups gnomAD compares: East Asian, 0.0045%; no homozygotes.

Submissions (2):

Labcorp Genetics (formerly Invitae), Labcorp
Classification: Uncertain significance for Propionic acidemia. Last evaluated: 2022-07-19. Review status: criteria provided, single submitter. Criteria: Invitae Variant Classification Sherloc (09022015). Collection method: clinical testing. Allele origin: germline.
Comment: This sequence change replaces threonine, which is neutral and polar, with serine, which is neutral and polar, at codon 640 of the PCCA protein (p.Thr640Ser). This variant is not present in population databases (gnomAD no frequency). This variant has not been reported in the literature in individuals affected with PCCA-related conditions. ClinVar contains an entry for this variant (Variation ID: 664611). Advanced modeling of protein sequence and biophysical properties (such as structural, functional, and spatial information, amino acid conservation, physicochemical variation, residue mobility, and thermodynamic stability) performed at Invitae indicates that this missense variant is not expected to disrupt PCCA protein function. In summary, the available evidence is currently insufficient to determine the role of this variant in disease. Therefore, it has been classified as a Variant of Uncertain Significance.

Natera, Inc.
Classification: Uncertain significance for Propionic acidemia. Last evaluated: 2020-11-18. Review status: no assertion criteria provided. Collection method: clinical testing. Allele origin: germline. Not counted in ClinVar's aggregate classification.

NM_000282.4(PCCA):c.1919C>G (p.Thr640Ser)

Gene: PCCA (propionyl-CoA carboxylase subunit alpha; plus strand). Cytogenetic location: 13q32.3.
Variant type: single nucleotide variant.
Coding change: c.1919C>G on transcript NM_000282.4 (MANE Select); coding-DNA position 1919, C replaced by G.
Protein change: p.Thr640Ser; replaces threonine 640 with serine.
Molecular consequence: missense variant. On other transcripts: non-coding transcript variant (4), intron variant (2).
Genome position (GRCh38, 1-based): chr13:100,515,446, C>G. VCF-style: chr13-100515446-C-G. GRCh37 (hg19) VCF-style: chr13-101167700-C-G.
Other names: c.1900-12229C>G (NM_001178004.2); c.1822-12229C>G (NM_001352607.2); c.1841C>G, p.Thr614Ser (NM_001127692.3); c.1865C>G, p.Thr622Ser (NM_001352605.2); c.1775C>G, p.Thr592Ser (NM_001352606.2); c.1697C>G, p.Thr566Ser (NM_001352608.2); c.974C>G, p.Thr325Ser (NM_001352610.2); c.920C>G, p.Thr307Ser (NM_001352611.2); and 1 more; short protein forms T325S, T622S, T592S, T614S, T640S, T277S, T307S, T566S.
Identifiers: ClinVar variation 664611 (VCV000664611.10), dbSNP rs1594099709, ClinGen allele CA388640193.